The following is an entry in ClinVar:

NM_004447.6(EPS8):c.712G>A (p.Ala238Thr)

Gene: EPS8 (EGFR pathway substrate 8, signaling adaptor; minus strand). Cytogenetic location: 12p12.3.
Variant type: single nucleotide variant.
Coding change: c.712G>A on transcript NM_004447.6 (MANE Select); coding-DNA position 712, G replaced by A.
Protein change: p.Ala238Thr; replaces alanine 238 with threonine.
Molecular consequence: missense variant.
Genome position (GRCh38, 1-based): chr12:15,665,780, C>T on the plus strand (G>A on the coding strand, the complement: EPS8 is on the minus strand). VCF-style: chr12-15665780-C-T. GRCh37 (hg19) VCF-style: chr12-15818714-C-T.
Other names: short protein forms A238T.
Identifiers: ClinVar variation 1443772 (VCV001443772.8), dbSNP rs773828753, ClinGen allele CA6467786.
Genomic context (GRCh38, chr12:15,665,780, plus strand): 5'-AAGTGTTCAATAAGTATTAATTCTAGGAAGACTCACAGTCCCCTTGGTCGGCTGCCCATG[C>T]AGACCAGGCTGCCACTCGACTTCTAACATCCACCTGGGTGACGGTCCCAGGGGGCGCAGG-3'
Protein context (NP_004438.3, residues 228-248): DVRSRVAAWS[Ala238Thr]WAADQGDFEK

ClinVar aggregate classification (germline): Uncertain significance (1 of 4 stars; one submission).

Allele frequency attached by ClinVar (database versions not stated): ExAC 0.00001; gnomAD 0.00001; gnomAD exomes 0.00001; TOPMed 0.00001.
gnomAD v4.1: 6 of 1,613,410 alleles (0.00037%); highest among the groups gnomAD compares: Admixed American, 0.005%; no homozygotes.

Submission:

Labcorp Genetics (formerly Invitae), Labcorp
Classification: Uncertain significance. Last evaluated: 2022-06-27. Review status: criteria provided, single submitter. Criteria: Invitae Variant Classification Sherloc (09022015). Collection method: clinical testing. Allele origin: germline.
Comment: This variant is present in population databases (rs773828753, gnomAD 0.006%). In summary, the available evidence is currently insufficient to determine the role of this variant in disease. Therefore, it has been classified as a Variant of Uncertain Significance. Algorithms developed to predict the effect of missense changes on protein structure and function are either unavailable or do not agree on the potential impact of this missense change (SIFT: "Not Available"; PolyPhen-2: "Benign"; Align-GVGD: "Not Available"). This variant has not been reported in the literature in individuals affected with EPS8-related conditions. This sequence change replaces alanine, which is neutral and non-polar, with threonine, which is neutral and polar, at codon 238 of the EPS8 protein (p.Ala238Thr).